The following is an entry in ClinVar:

ClinVar aggregate classification (germline): Uncertain significance. Review status: criteria provided, multiple submitters, no conflicts (2 of 4 stars). 2 submissions from 2 submitters: Uncertain significance (2). Last evaluated 2025-08-31.

Allele frequency attached by ClinVar (database versions not stated): gnomAD 0.00001; TOPMed 0.00001.

Submissions (2):

Ambry Genetics
Classification: Uncertain significance. Last evaluated: 2025-08-31. Review status: criteria provided, single submitter. Criteria: Ambry Variant Classification Scheme 2023. Collection method: clinical testing. Allele origin: germline.

Labcorp Genetics (formerly Invitae), Labcorp
Classification: Uncertain significance. Last evaluated: 2022-09-19. Review status: criteria provided, single submitter. Criteria: Invitae Variant Classification Sherloc (09022015). Collection method: clinical testing. Allele origin: germline.
Comment: In summary, the available evidence is currently insufficient to determine the role of this variant in disease. Therefore, it has been classified as a Variant of Uncertain Significance. Algorithms developed to predict the effect of missense changes on protein structure and function are either unavailable or do not agree on the potential impact of this missense change (SIFT: "Not Available"; PolyPhen-2: "Possibly Damaging"; Align-GVGD: "Not Available"). ClinVar contains an entry for this variant (Variation ID: 1467236). This variant has not been reported in the literature in individuals affected with HYOU1-related conditions. This variant is present in population databases (no rsID available, gnomAD 0.004%). This sequence change replaces arginine, which is basic and polar, with cysteine, which is neutral and slightly polar, at codon 311 of the HYOU1 protein (p.Arg311Cys).

NM_006389.5(HYOU1):c.931C>T (p.Arg311Cys)

Gene: HYOU1 (hypoxia up-regulated 1; minus strand). Cytogenetic location: 11q23.3.
Variant type: single nucleotide variant.
Coding change: c.931C>T on transcript NM_006389.5 (MANE Select); coding-DNA position 931, C replaced by T.
Protein change: p.Arg311Cys; replaces arginine 311 with cysteine.
Molecular consequence: missense variant.
Genome position (GRCh38, 1-based): chr11:119,052,693, G>A on the plus strand (C>T on the coding strand, the complement: HYOU1 is on the minus strand). VCF-style: chr11-119052693-G-A. GRCh37 (hg19) VCF-style: chr11-118923405-G-A.
Other names: c.931C>T (NM_006389.3); c.931C>T, p.Arg311Cys (NM_001130991.3); short protein forms R311C.
Identifiers: ClinVar variation 1467236 (VCV001467236.9), dbSNP rs1414139136, ClinGen allele CA382943779.
Genomic context (GRCh38, chr11:119,052,693, plus strand): 5'-GCACCTGTGCCATGTGGTCAGCGTTGGCACTGAGGACGGTTTTGAGCCGATTAGCCTCAC[G>A]CAGCAGCTTGGCCATGGCACGCGGGTTCTCCCGCACATCCTTTGCTCTCTGACCCTTGCG-3'
Protein context (NP_006380.1, residues 301-321): ENPRAMAKLL[Arg311Cys]EANRLKTVLS